The following is an entry in ClinVar:

ClinVar aggregate classification (germline): conflicting data from submitters (0 of 4 stars; one submission).

Submission:

ISCA site 4
Classification: conflicting data from submitters. Last evaluated: 2012-09-21. Review status: no assertion criteria provided. Collection method: clinical testing. Allele origin: unknown. Affected: yes. Observed: 2 variant alleles.
Comment: Uncertain significance(1), Likely benign (1)

Copy number variation identified through the course of routine clinical cytogenomic testing in postnatal populations, with clinical assertions as classified by the original submitter.

GRCh38/hg38 7q21.13(chr7:88563521-90066533)x3

Genes: STEAP2-AS1 (STEAP2 antisense RNA 1; minus strand), TEX47 (testis expressed 47; minus strand), ZNF804B (zinc finger protein 804B; plus strand), LOC105375387 (uncharacterized LOC105375387; plus strand), LOC126860099 (CDK7 strongly-dependent group 2 enhancer GRCh37_chr7:89253154-89254353; plus strand) and 1 more. Cytogenetic location: 7q21.13.
Variant type: copy number gain.
Change: copy number 3 (three copies instead of two) of chr7:88,563,521-90,066,533 (1.50 Mb, GRCh38 coordinates, 1-based), cytogenetic band 7q21.13.
Identifiers: ClinVar variation 144694 (VCV000144694.2).